The following is an entry in ClinVar:

NM_139315.3(TAF6):c.1620A>C (p.Val540=)

Genes: AP4M1 (adaptor related protein complex 4 subunit mu 1; plus strand), TAF6 (TATA-box binding protein associated factor 6; minus strand). Cytogenetic location: 7q22.1.
Variant type: single nucleotide variant.
Coding change: c.1620A>C on transcript NM_139315.3 (MANE Select); coding-DNA position 1620, A replaced by C.
Protein change: p.Val540=; no amino-acid change (valine 540 retained).
Molecular consequence: synonymous variant. On other transcripts: non-coding transcript variant (1), 3 prime UTR variant (2).
Genome position (GRCh38, 1-based): chr7:100,107,962, T>G on the plus strand (A>C on the coding strand, the complement: TAF6 is on the minus strand). VCF-style: chr7-100107962-T-G. GRCh37 (hg19) VCF-style: chr7-99705585-T-G.
Other names: c.1731A>C, p.Val577= (NM_001190415.2); c.1620A>C, p.Val540= (NM_001364998.1, NM_001364999.1, NM_005641.4); c.1590A>C, p.Val530= (NM_001365000.1, NM_001365001.1, NM_001365002.1 and 1 more transcripts); c.1758A>C, p.Val586= (NM_001365004.1); c.*1080T>G (NM_001363671.2, NM_004722.4).
Identifiers: ClinVar variation 2201183 (VCV002201183.6), dbSNP rs144479010, ClinGen allele CA4375240.

ClinVar aggregate classification (germline): Likely benign. Review status: criteria provided, single submitter (1 of 4 stars). 2 submissions from 2 submitters: Likely benign (1). 1 of the submissions does not count toward it. Last evaluated 2025-07-30.

Conditions:
TAF6-related disorder. Also called: TAF6-related condition.

Allele frequency attached by ClinVar (database versions not stated): 1000 Genomes Project 0.00060; ESP Exome Variant Server 0.00062; gnomAD exomes 0.00003; ExAC 0.00016; 1000 Genomes Project 30x 0.00047; gnomAD 0.00047; TOPMed 0.00050.
gnomAD v4.1: 127 of 1,613,756 alleles (0.0079%); highest among the groups gnomAD compares: African/African-American, 0.15%; no homozygotes.

Submissions (2):

Labcorp Genetics (formerly Invitae), Labcorp
Classification: Likely benign. Last evaluated: 2025-07-30. Review status: criteria provided, single submitter. Criteria: Invitae Variant Classification Sherloc (09022015). Collection method: clinical testing. Allele origin: germline.

PreventionGenetics, part of Exact Sciences
Classification: Likely benign for TAF6-related condition. Last evaluated: 2019-03-20. Review status: no assertion criteria provided. Collection method: clinical testing. Allele origin: germline. Not counted in ClinVar's aggregate classification.
Comment: This variant is classified as likely benign based on ACMG/AMP sequence variant interpretation guidelines (Richards et al. 2015 PMID: 25741868, with internal and published modifications).